The following is an entry in ClinVar:

ClinVar aggregate classification (germline): Benign/Likely benign. Review status: criteria provided, multiple submitters, no conflicts (2 of 4 stars). 4 submissions from 4 submitters: Benign (1); Likely benign (3). Last evaluated 2025-05-13.

Conditions:
Hereditary cancer-predisposing syndrome. Also called: Hereditary neoplastic syndrome; Neoplastic Syndromes, Hereditary; Tumor predisposition; Hereditary Cancer Syndrome. Identifiers: Orphanet 140162, MedGen C0027672, MeSH D009386, MONDO:0015356.
Familial adenomatous polyposis 1 (FAP1). Also called: POLYPOSIS, ADENOMATOUS INTESTINAL; FAMILIAL ADENOMATOUS POLYPOSIS 1, ATTENUATED. Identifiers: MedGen C2713442, MONDO:0021056, OMIM 175100. Disease mechanism: loss of function.
Classic or attenuated familial adenomatous polyposis. Identifiers: MedGen CN372698, MONDO:0021057.

Submissions (4):

Labcorp Genetics (formerly Invitae), Labcorp
Classification: Likely benign for Familial adenomatous polyposis 1. Last evaluated: 2025-05-13. Review status: criteria provided, single submitter. Criteria: Invitae Variant Classification Sherloc (09022015). Collection method: clinical testing. Allele origin: germline.

Myriad Genetics, Inc.
Classification: Benign for Familial adenomatous polyposis 1. Last evaluated: 2024-03-08. Review status: criteria provided, single submitter. Criteria: Myriad Autosomal Dominant, Autosomal Recessive and X-Linked Classification Criteria (2023). Collection method: clinical testing. Allele origin: unknown.
Comment: This variant is considered benign. This variant is a silent/synonymous amino acid change and it is not expected to impact splicing.

All of Us Research Program, National Institutes of Health
Classification: Likely benign for Classic or attenuated familial adenomatous polyposis. Last evaluated: 2023-07-10. Review status: criteria provided, single submitter. Criteria: ACMG Guidelines, 2015. Collection method: clinical testing. Allele origin: germline. Inheritance: Autosomal dominant inheritance. Observed: 1 variant allele, 1 heterozygote.
Comment: This study involves interpretation of variants in research participants for the purpose of population health screening. Participant phenotype was not available at the time of variant classification. Additional details can be found in publication PMID: 35346344, PMCID: PMC8962531

Ambry Genetics
Classification: Likely benign for Hereditary cancer-predisposing syndrome. Last evaluated: 2019-02-04. Review status: criteria provided, single submitter. Criteria: Ambry Variant Classification Scheme 2023. Collection method: clinical testing. Allele origin: germline.

NM_000038.6(APC):c.1974G>A (p.Glu658=)

Gene: APC (APC regulator of Wnt signaling pathway; plus strand). Cytogenetic location: 5q22.2.
Variant type: single nucleotide variant.
Coding change: c.1974G>A on transcript NM_000038.6 (MANE Select); coding-DNA position 1974, G replaced by A.
Protein change: p.Glu658=; no amino-acid change (glutamic acid 658 retained).
Molecular consequence: synonymous variant.
Genome position (GRCh38, 1-based): chr5:112,837,568, G>A. VCF-style: chr5-112837568-G-A. GRCh37 (hg19) VCF-style: chr5-112173265-G-A.
Other names: c.1974G>A, p.Glu658= (NM_001127510.3, NM_001354895.2); c.1920G>A, p.Glu640= (NM_001127511.3); c.2028G>A, p.Glu676= (NM_001354896.2); c.2004G>A, p.Glu668= (NM_001354897.2); c.1899G>A, p.Glu633= (NM_001354898.2); c.1890G>A, p.Glu630= (NM_001354899.2); c.1851G>A, p.Glu617= (NM_001354900.2); c.1797G>A, p.Glu599= (NM_001354901.2); and 5 more.
Identifiers: ClinVar variation 469725 (VCV000469725.15), dbSNP rs747442953, ClinGen allele CA445963278.